The following is an entry in ClinVar:

NM_000535.7(PMS2):c.989-3T>C

Gene: PMS2 (PMS1 homolog 2, mismatch repair system component; minus strand). Cytogenetic location: 7p22.1.
Variant type: single nucleotide variant.
Coding change: c.989-3T>C on transcript NM_000535.7 (MANE Select); 3 bases into the intron before coding-DNA position 989, T replaced by C.
Molecular consequence: intron variant.
Genome position (GRCh38, 1-based): chr7:5,989,958, A>G on the plus strand (T>C on the coding strand, the complement: PMS2 is on the minus strand). VCF-style: chr7-5989958-A-G. GRCh37 (hg19) VCF-style: chr7-6029589-A-G.
Other names: c.671-3T>C (NM_001322008.2, NM_001322007.2); c.583+2015T>C (NM_001322010.2); c.584-3T>C (NM_001322004.2, NM_001322003.2, NM_001322009.2 and 1 more transcripts); c.416-3T>C (NM_001322013.2); c.56-3T>C (NM_001322012.2, NM_001322011.2); c.680-3T>C (NM_001322015.2); c.988+2015T>C (NM_001322006.2); c.989-3T>C (NM_001322014.2).
Identifiers: ClinVar variation 525619 (VCV000525619.21), dbSNP rs1156325177, ClinGen allele CA572822671.

ClinVar aggregate classification (germline): Conflicting classifications of pathogenicity. Review status: criteria provided, conflicting classifications (1 of 4 stars). 7 submissions from 7 submitters: Uncertain significance (6); Likely benign (1). Last evaluated 2025-11-25.

Conditions:
Hereditary nonpolyposis colorectal neoplasms. Identifiers: MedGen C0009405, MeSH D003123.
Hereditary cancer-predisposing syndrome. Also called: Neoplastic Syndromes, Hereditary; Tumor predisposition; Hereditary Cancer Syndrome; Hereditary neoplastic syndrome. Identifiers: Orphanet 140162, MedGen C0027672, MeSH D009386, MONDO:0015356.
Lynch syndrome 4 (LYNCH4). Also called: Colorectal cancer, hereditary nonpolyposis, type 4; Hereditary non-polyposis colorectal cancer, type 4. Identifiers: Orphanet 144, MedGen C1838333, MONDO:0013699, OMIM 614337. Disease mechanism: loss of function.
Lynch syndrome. Identifiers: Orphanet 144, MedGen C4552100, MONDO:0005835. Disease mechanism: loss of function.

Allele frequency attached by ClinVar (database versions not stated): gnomAD exomes below 0.00001.
gnomAD v4.1: 2 of 1,569,564 alleles (0.00013%); highest among the groups gnomAD compares: Admixed American, 0.0017%; no homozygotes.

Submissions (7):

Ambry Genetics
Classification: Uncertain significance for Hereditary cancer-predisposing syndrome. Last evaluated: 2025-11-25. Review status: criteria provided, single submitter. Criteria: Ambry Variant Classification Scheme 2023. Collection method: clinical testing. Allele origin: germline.
Comment: The c.989-3T>C intronic variant results from a T to C substitution 3 nucleotides upstream from coding exon 10 in the PMS2 gene. This nucleotide position is not well conserved in available vertebrate species. In silico splice site analysis predicts that this alteration will not have any significant effect on splicing; however, direct evidence is insufficient at this time (Ambry internal data). Based on the available evidence, the clinical significance of this variant remains unclear.

Myriad Genetics, Inc.
Classification: Likely benign for Lynch syndrome 4. Last evaluated: 2025-01-29. Review status: criteria provided, single submitter. Criteria: Myriad Autosomal Dominant, Autosomal Recessive and X-Linked Classification Criteria (2023). Collection method: clinical testing. Allele origin: unknown.
Comment: This variant is considered likely benign. This variant is intronic and is not expected to impact mRNA splicing.

All of Us Research Program, National Institutes of Health
Classification: Uncertain significance for Lynch syndrome. Last evaluated: 2024-04-16. Review status: criteria provided, single submitter. Criteria: ACMG Guidelines, 2015. Collection method: clinical testing. Allele origin: germline. Inheritance: Autosomal dominant inheritance. Observed: 1 variant allele, 1 heterozygote.
Comment: This variant causes a T to C nucleotide substitution at the -3 position of intron 9/14 of the PMS2 gene. tools suggest that this variant may not impact RNA splicing. To our knowledge, RNA studies have not been reported for this variant. This variant has not been reported in individuals affected with PMS2-related disorders in the literature. This variant has been identified in 1/246582 chromosomes in the general population by the Genome Aggregation Database (gnomAD). The available evidence is insufficient to determine the role of this variant in disease conclusively. Therefore, this variant is classified as a Variant of Uncertain Significance.

This study involves interpretation of variants in research participants for the purpose of population health screening. Participant phenotype was not available at the time of variant classification. Additional details can be found in publication PMID: 35346344, PMCID: PMC8962531

Color Diagnostics, LLC DBA Color Health
Classification: Uncertain significance for Hereditary cancer-predisposing syndrome. Last evaluated: 2024-04-04. Review status: criteria provided, single submitter. Criteria: ACMG Guidelines, 2015. Collection method: clinical testing. Allele origin: germline.
Comment: This variant causes a T to C nucleotide substitution at the -3 position of intron 9/14 of the PMS2 gene. tools suggest that this variant may not impact RNA splicing. To our knowledge, RNA studies have not been reported for this variant. This variant has not been reported in individuals affected with PMS2-related disorders in the literature. This variant has been identified in 1/246582 chromosomes in the general population by the Genome Aggregation Database (gnomAD). The available evidence is insufficient to determine the role of this variant in disease conclusively. Therefore, this variant is classified as a Variant of Uncertain Significance.

Labcorp Genetics (formerly Invitae), Labcorp
Classification: Uncertain significance for Hereditary nonpolyposis colorectal neoplasms. Last evaluated: 2023-10-22. Review status: criteria provided, single submitter. Criteria: Invitae Variant Classification Sherloc (09022015). Collection method: clinical testing. Allele origin: germline.
Comment: This sequence change falls in intron 9 of the PMS2 gene. It does not directly change the encoded amino acid sequence of the PMS2 protein. It affects a nucleotide within the consensus splice site. This variant is present in population databases (no rsID available, gnomAD 0.003%). This variant has not been reported in the literature in individuals affected with PMS2-related conditions. ClinVar contains an entry for this variant (Variation ID: 525619). Variants that disrupt the consensus splice site are a relatively common cause of aberrant splicing (PMID: 17576681, 9536098). Algorithms developed to predict the effect of sequence changes on RNA splicing suggest that this variant is not likely to affect RNA splicing. In summary, the available evidence is currently insufficient to determine the role of this variant in disease. Therefore, it has been classified as a Variant of Uncertain Significance.

Department of Pathology and Laboratory Medicine, Sinai Health System
Classification: Uncertain significance for Lynch syndrome. Last evaluated: 2021-05-19. Review status: criteria provided, single submitter. Criteria: ACMG Guidelines, 2015. Collection method: clinical testing. Allele origin: germline. Affected: yes.

Mendelics
Classification: Uncertain significance for Lynch syndrome. Last evaluated: 2018-07-02. Review status: criteria provided, single submitter. Criteria: Mendelics Assertion Criteria 2017. Collection method: clinical testing. Allele origin: unknown.

Literature cited by the submitters: PubMed 17576681 (cited by Labcorp Genetics (formerly Invitae), Labcorp); PubMed 9536098 (cited by Labcorp Genetics (formerly Invitae), Labcorp).